The following is an entry in ClinVar:

NM_017662.5(TRPM6):c.1151C>T (p.Ala384Val)

Gene: TRPM6 (transient receptor potential cation channel subfamily M member 6; minus strand). Cytogenetic location: 9q21.13.
Variant type: single nucleotide variant.
Coding change: c.1151C>T on transcript NM_017662.5 (MANE Select); coding-DNA position 1151, C replaced by T.
Protein change: p.Ala384Val; replaces alanine 384 with valine.
Molecular consequence: missense variant.
Genome position (GRCh38, 1-based): chr9:74,816,948, G>A on the plus strand (C>T on the coding strand, the complement: TRPM6 is on the minus strand). VCF-style: chr9-74816948-G-A. GRCh37 (hg19) VCF-style: chr9-77431864-G-A.
Other names: c.1151C>T (NM_017662.4); c.1136C>T, p.Ala379Val (NM_001177310.2, NM_001177311.2); short protein forms A379V, A384V.
Identifiers: ClinVar variation 1908904 (VCV001908904.7), dbSNP rs776730847, ClinGen allele CA5084939.

ClinVar aggregate classification (germline): Uncertain significance. Review status: criteria provided, multiple submitters, no conflicts (2 of 4 stars). 3 submissions from 3 submitters: Uncertain significance (3). Last evaluated 2024-06-21.

Conditions:
Inborn genetic diseases. Identifiers: MedGen C0950123, MeSH D030342.
Intestinal hypomagnesemia 1. Also called: HYPOMAGNESEMIA, INTESTINAL, WITH SECONDARY HYPOCALCEMIA; HYPOMAGNESEMIC TETANY. Identifiers: Orphanet 30924, MedGen C1865974, MONDO:0011176, OMIM 602014.

Allele frequency attached by ClinVar (database versions not stated): gnomAD 0.00001; gnomAD exomes 0.00001; TOPMed 0.00002; ExAC 0.00005.
gnomAD v4.1: 11 of 1,613,864 alleles (0.00068%); highest among the groups gnomAD compares: East Asian, 0.02%; no homozygotes.

Submissions (3):

Fulgent Genetics
Classification: Uncertain significance for Intestinal hypomagnesemia 1. Last evaluated: 2024-06-21. Review status: criteria provided, single submitter. Criteria: ACMG Guidelines, 2015. Collection method: clinical testing. Allele origin: germline.

Ambry Genetics
Classification: Uncertain significance for Inborn genetic diseases. Last evaluated: 2024-03-07. Review status: criteria provided, single submitter. Criteria: Ambry Variant Classification Scheme 2023. Collection method: clinical testing. Allele origin: germline.

Labcorp Genetics (formerly Invitae), Labcorp
Classification: Uncertain significance. Last evaluated: 2022-03-24. Review status: criteria provided, single submitter. Criteria: Invitae Variant Classification Sherloc (09022015). Collection method: clinical testing. Allele origin: germline.
Comment: Algorithms developed to predict the effect of missense changes on protein structure and function (SIFT, PolyPhen-2, Align-GVGD) all suggest that this variant is likely to be tolerated. In summary, the available evidence is currently insufficient to determine the role of this variant in disease. Therefore, it has been classified as a Variant of Uncertain Significance. This variant has not been reported in the literature in individuals affected with TRPM6-related conditions. This variant is present in population databases (rs776730847, gnomAD 0.05%). This sequence change replaces alanine, which is neutral and non-polar, with valine, which is neutral and non-polar, at codon 384 of the TRPM6 protein (p.Ala384Val).